The following is an entry in ClinVar:

ClinVar aggregate classification (germline): Uncertain significance. Review status: criteria provided, multiple submitters, no conflicts (2 of 4 stars). 2 submissions from 2 submitters: Uncertain significance (2). Last evaluated 2023-10-06.

Conditions:
Long QT syndrome (LQTS). Identifiers: MedGen C0023976, MeSH D008133, MONDO:0002442. Disease mechanism: loss of function. Inheritance: Various modes of inheritance.

Allele frequency attached by ClinVar (database versions not stated): TOPMed below 0.00001.
gnomAD v4.1: 4 of 1,614,206 alleles (0.00025%); highest among the groups gnomAD compares: Non-Finnish European, 0.00025%; no homozygotes.

Submissions (2):

Labcorp Genetics (formerly Invitae), Labcorp
Classification: Uncertain significance for Long QT syndrome. Last evaluated: 2023-10-06. Review status: criteria provided, single submitter. Criteria: Invitae Variant Classification Sherloc (09022015). Collection method: clinical testing. Allele origin: germline.
Comment: This sequence change replaces valine, which is neutral and non-polar, with methionine, which is neutral and non-polar, at codon 444 of the SNTA1 protein (p.Val444Met). This variant is not present in population databases (gnomAD no frequency). This variant has not been reported in the literature in individuals affected with SNTA1-related conditions. ClinVar contains an entry for this variant (Variation ID: 191507). Advanced modeling of protein sequence and biophysical properties (such as structural, functional, and spatial information, amino acid conservation, physicochemical variation, residue mobility, and thermodynamic stability) performed at Invitae indicates that this missense variant is not expected to disrupt SNTA1 protein function. In summary, the available evidence is currently insufficient to determine the role of this variant in disease. Therefore, it has been classified as a Variant of Uncertain Significance.

Biesecker Lab/Clinical Genomics Section, National Institutes of Health
Classification: Uncertain significance. Last evaluated: 2013-06-24. Review status: criteria provided, single submitter. Criteria: Ng et al. (Circ Cardiovasc Genet. 2013). Collection method: research. Allele origin: unknown. Observed: 1 variant allele. Study: ClinSeq.
Comment: The study set was not selected for affection status in relation to any cancer. Pathogenicity categories were based on literature curation. See Pubmed ID:23861362 for details.

Medical sequencing

NM_003098.3(SNTA1):c.1330G>A (p.Val444Met)

Gene: SNTA1 (syntrophin alpha 1; minus strand). Cytogenetic location: 20q11.21.
Variant type: single nucleotide variant.
Coding change: c.1330G>A on transcript NM_003098.3 (MANE Select); coding-DNA position 1330, G replaced by A.
Protein change: p.Val444Met; replaces valine 444 with methionine.
Molecular consequence: missense variant.
Genome position (GRCh38, 1-based): chr20:33,408,796, C>T on the plus strand (G>A on the coding strand, the complement: SNTA1 is on the minus strand). VCF-style: chr20-33408796-C-T. GRCh37 (hg19) VCF-style: chr20-31996602-C-T.
Other names: short protein forms V444M.
Identifiers: ClinVar variation 191507 (VCV000191507.5), dbSNP rs201571071, ClinGen allele CA236834.